The following is an entry in ClinVar:

NM_001083116.3(PRF1):c.327del (p.Val111fs)

Gene: PRF1 (perforin 1; minus strand). Cytogenetic location: 10q22.1.
Variant type: Deletion.
Coding change: c.327del on transcript NM_001083116.3 (MANE Select); coding-DNA position 327, one base deleted (C; older notation c.327delC).
Protein change: p.Val111fs; shifts the reading frame from valine 111.
Molecular consequence: frameshift variant.
Genome position (GRCh38, 1-based): chr10:70,600,576, G deleted on the plus strand (C on the coding strand, the reverse complement: PRF1 is on the minus strand); the first of 2 consecutive G bases (chr10:70,600,576-70,600,577); deleting either gives the same sequence. VCF-style (leftmost placement, unchanged base first): chr10-70600575-TG-T. GRCh37 (hg19) VCF-style: chr10-72360331-TG-T.
Other names: c.327del, p.Val111fs (NM_005041.6); short protein forms V111fs.
Identifiers: ClinVar variation 2852100 (VCV002852100.3), dbSNP rs2493487405, ClinGen allele CA2739275771.

ClinVar aggregate classification (germline): Pathogenic (1 of 4 stars; one submission).

Conditions:
Familial hemophagocytic lymphohistiocytosis 2 (FHL2). Also called: PRF1-Related Familial Hemophagocytic Lymphohistiocytosis (PRF1-fHLH). Identifiers: Orphanet 540, MedGen C1863727, MONDO:0011337, OMIM 603553.

Submission:

Labcorp Genetics (formerly Invitae), Labcorp
Classification: Pathogenic for Familial hemophagocytic lymphohistiocytosis 2. Last evaluated: 2023-04-04. Review status: criteria provided, single submitter. Criteria: Invitae Variant Classification Sherloc (09022015). Collection method: clinical testing. Allele origin: germline.
Comment: This variant has not been reported in the literature in individuals affected with PRF1-related conditions. For these reasons, this variant has been classified as Pathogenic. This sequence change creates a premature translational stop signal (p.Val111Serfs*25) in the PRF1 gene. It is expected to result in an absent or disrupted protein product. Loss-of-function variants in PRF1 are known to be pathogenic (PMID: 1156555, 16860143). This variant is not present in population databases (gnomAD no frequency).

Literature cited by the submitters: PubMed 1156555; PubMed 16860143.